The following is an entry in ClinVar:

NM_005765.3(ATP6AP2):c.763T>C (p.Tyr255His)

Gene: ATP6AP2 (ATPase H+ transporting accessory protein 2; plus strand). Cytogenetic location: Xp11.4.
Variant type: single nucleotide variant.
Coding change: c.763T>C on transcript NM_005765.3 (MANE Select); coding-DNA position 763, T replaced by C.
Protein change: p.Tyr255His; replaces tyrosine 255 with histidine.
Molecular consequence: missense variant.
Genome position (GRCh38, 1-based): chrX:40,600,786, T>C. VCF-style: chrX-40600786-T-C. GRCh37 (hg19) VCF-style: chrX-40460038-T-C.
Other names: short protein forms Y255H.
Identifiers: ClinVar variation 4745415 (VCV004745415.1).

ClinVar aggregate classification (germline): Uncertain significance (1 of 4 stars; one submission).

Conditions:
Intellectual developmental disorder, X-linked, syndromic, Hedera type. Also called: Syndromic X-linked intellectual disability Hedera type. Identifiers: Orphanet 93952, MedGen C1845543, MONDO:0010319, OMIM 300423.

Submission:

Labcorp Genetics (formerly Invitae), Labcorp
Classification: Uncertain significance for Intellectual developmental disorder, X-linked, syndromic, Hedera type. Last evaluated: 2025-03-23. Review status: criteria provided, single submitter. Criteria: Invitae Variant Classification Sherloc (09022015). Collection method: clinical testing. Allele origin: germline.
Comment: This sequence change replaces tyrosine, which is neutral and polar, with histidine, which is basic and polar, at codon 255 of the ATP6AP2 protein (p.Tyr255His). This variant is not present in population databases (gnomAD no frequency). This variant has not been reported in the literature in individuals affected with ATP6AP2-related conditions. Invitae Evidence Modeling of protein sequence and biophysical properties (such as structural, functional, and spatial information, amino acid conservation, physicochemical variation, residue mobility, and thermodynamic stability) indicates that this missense variant is not expected to disrupt ATP6AP2 protein function with a negative predictive value of 80%. In summary, the available evidence is currently insufficient to determine the role of this variant in disease. Therefore, it has been classified as a Variant of Uncertain Significance.